The following is an entry in ClinVar:

ClinVar aggregate classification (germline): Uncertain significance (1 of 4 stars; one submission).

Allele frequency attached by ClinVar (database versions not stated): gnomAD 0.00001.
gnomAD v4.1: 1 of 1,613,742 alleles (0.000062%); highest among the groups gnomAD compares: Non-Finnish European, 0.000085%; no homozygotes.

Submission:

Labcorp Genetics (formerly Invitae), Labcorp
Classification: Uncertain significance. Last evaluated: 2025-08-15. Review status: criteria provided, single submitter. Criteria: Invitae Variant Classification Sherloc (09022015). Collection method: clinical testing. Allele origin: germline.
Comment: This sequence change replaces arginine, which is basic and polar, with tryptophan, which is neutral and slightly polar, at codon 93 of the COL4A3 protein (p.Arg93Trp). This variant is not present in population databases (gnomAD no frequency). This variant has not been reported in the literature in individuals affected with COL4A3-related conditions. ClinVar contains an entry for this variant (Variation ID: 2160864). An algorithm developed to predict the effect of missense changes on protein structure and function (PolyPhen-2) suggests that this variant is likely to be disruptive. In summary, the available evidence is currently insufficient to determine the role of this variant in disease. Therefore, it has been classified as a Variant of Uncertain Significance.

NM_000091.5(COL4A3):c.277A>T (p.Arg93Trp)

Genes: MFF-DT (MFF divergent transcript; minus strand), COL4A3 (collagen type IV alpha 3 chain; plus strand). Cytogenetic location: 2q36.3.
Variant type: single nucleotide variant.
Coding change: c.277A>T on transcript NM_000091.5 (MANE Select); coding-DNA position 277, A replaced by T.
Protein change: p.Arg93Trp; replaces arginine 93 with tryptophan.
Molecular consequence: missense variant.
Genome position (GRCh38, 1-based): chr2:227,244,362, A>T. VCF-style: chr2-227244362-A-T. GRCh37 (hg19) VCF-style: chr2-228109078-A-T.
Other names: short protein forms R93W.
Identifiers: ClinVar variation 2160864 (VCV002160864.4), dbSNP rs1208980444, ClinGen allele CA350860698.